The following is an entry in ClinVar:

NM_014384.3(ACAD8):c.1058T>C (p.Met353Thr)

Gene: ACAD8 (acyl-CoA dehydrogenase family member 8; plus strand). Cytogenetic location: 11q25.
Variant type: single nucleotide variant.
Coding change: c.1058T>C on transcript NM_014384.3 (MANE Select); coding-DNA position 1058, T replaced by C.
Protein change: p.Met353Thr; replaces methionine 353 with threonine.
Molecular consequence: missense variant.
Genome position (GRCh38, 1-based): chr11:134,261,856, T>C. VCF-style: chr11-134261856-T-C. GRCh37 (hg19) VCF-style: chr11-134131750-T-C.
Other names: short protein forms M353T.
Identifiers: ClinVar variation 1308041 (VCV001308041.2), dbSNP rs2136083492, ClinGen allele CA383518519.
Genomic context (GRCh38, chr11:134,261,856, plus strand): 5'-TCCGCAATGCAGCAGTGGCTCTGCAGGAGGAGAGGAAGGATGCAGTGGCCTTGTGCTCCA[T>C]GGCCAAGCTCTTTGCTACAGATGAATGCTTTGCCGTAAGTGATTCCTCTGGCTCTCCTGG-3'
Protein context (NP_055199.1, residues 343-363): ERKDAVALCS[Met353Thr]AKLFATDECF

ClinVar aggregate classification (germline): Uncertain significance (1 of 4 stars; one submission).

Allele frequency attached by ClinVar (database versions not stated): gnomAD exomes below 0.00001.
gnomAD v4.1: 4 of 1,614,206 alleles (0.00025%); highest among the groups gnomAD compares: Non-Finnish European, 0.00034%; no homozygotes.

Submission:

GeneDx
Classification: Uncertain significance. Last evaluated: 2019-08-28. Review status: criteria provided, single submitter. Criteria: GeneDx Variant Classification Process June 2021. Collection method: clinical testing. Allele origin: germline. Affected: yes.
Comment: Not observed in large population cohorts (Lek et al., 2016); The majority of missense variants in this gene are considered pathogenic (Stenson et al., 2014); In silico analysis, which includes protein predictors and evolutionary conservation, supports a deleterious effect; Has not been previously published as pathogenic or benign to our knowledge